The following is an entry in ClinVar:

NM_004453.4(ETFDH):c.285A>G (p.Glu95=)

Gene: ETFDH (electron transfer flavoprotein dehydrogenase; plus strand). Cytogenetic location: 4q32.1.
Variant type: single nucleotide variant.
Coding change: c.285A>G on transcript NM_004453.4 (MANE Select); coding-DNA position 285, A replaced by G.
Protein change: p.Glu95=; no amino-acid change (glutamic acid 95 retained).
Molecular consequence: synonymous variant.
Genome position (GRCh38, 1-based): chr4:158,682,304, A>G. VCF-style: chr4-158682304-A-G. GRCh37 (hg19) VCF-style: chr4-159603456-A-G.
Other names: c.285A>G (NM_004453.3); c.144A>G, p.Glu48= (NM_001281737.2); c.102A>G, p.Glu34= (NM_001281738.1).
Identifiers: ClinVar variation 1139675 (VCV001139675.11), dbSNP rs201268972, ClinGen allele CA3122312.

ClinVar aggregate classification (germline): Likely benign. Review status: criteria provided, single submitter (1 of 4 stars). 2 submissions from 2 submitters: Likely benign (1). 1 of the submissions does not count toward it. Last evaluated 2025-12-01.

Conditions:
Multiple acyl-CoA dehydrogenase deficiency (MADD). Also called: ETHYLMALONIC-ADIPICACIDURIA; GA II; Glutaric aciduria, type 2; Glutaric acidemia type II; GA 2; Glutaric Acidemia type 2. Identifiers: Orphanet 26791, MedGen C0268596, MONDO:0009282, OMIM 231680.
ETFDH-related disorder. Also called: ETFDH-related condition.

Allele frequency attached by ClinVar (database versions not stated): gnomAD 0.00001; gnomAD exomes 0.00001 and 0.00004; ExAC 0.00003; 1000 Genomes Project 30x 0.00031; 1000 Genomes Project 0.00040.
gnomAD v4.1: 15 of 1,614,184 alleles (0.00093%); highest among the groups gnomAD compares: East Asian, 0.031%; no homozygotes.

Submissions (2):

Labcorp Genetics (formerly Invitae), Labcorp
Classification: Likely benign for Multiple acyl-CoA dehydrogenase deficiency. Last evaluated: 2025-12-01. Review status: criteria provided, single submitter. Criteria: Invitae Variant Classification Sherloc (09022015). Collection method: clinical testing. Allele origin: germline.

PreventionGenetics, part of Exact Sciences
Classification: Likely benign for ETFDH-related condition. Last evaluated: 2021-10-26. Review status: no assertion criteria provided. Collection method: clinical testing. Allele origin: germline. Not counted in ClinVar's aggregate classification.
Comment: This variant is classified as likely benign based on ACMG/AMP sequence variant interpretation guidelines (Richards et al. 2015 PMID: 25741868, with internal and published modifications).